The following is an entry in ClinVar:

NM_017777.4(MKS1):c.1085C>T (p.Ser362Phe)

Gene: MKS1 (MKS transition zone complex subunit 1; minus strand). Cytogenetic location: 17q22.
Variant type: single nucleotide variant.
Coding change: c.1085C>T on transcript NM_017777.4 (MANE Select); coding-DNA position 1085, C replaced by T.
Protein change: p.Ser362Phe; replaces serine 362 with phenylalanine.
Molecular consequence: missense variant.
Genome position (GRCh38, 1-based): chr17:58,208,523, G>A on the plus strand (C>T on the coding strand, the complement: MKS1 is on the minus strand). VCF-style: chr17-58208523-G-A. GRCh37 (hg19) VCF-style: chr17-56285884-G-A.
Other names: c.476C>T, p.Ser159Phe (NM_001321268.2); c.1085C>T, p.Ser362Phe (NM_001321269.2, NM_001330397.2, NM_001411113.1); short protein forms S159F, S362F.
Identifiers: ClinVar variation 4057732 (VCV004057732.2).

ClinVar aggregate classification (germline): Uncertain significance. Review status: criteria provided, single submitter (1 of 4 stars). 2 submissions from 2 submitters: Uncertain significance (1). 1 of the submissions does not count toward it. Last evaluated 2025-04-04.

Conditions:
Joubert syndrome. Also called: CEREBELLOPARENCHYMAL DISORDER IV; JOUBERT-BOLTSHAUSER SYNDROME; Familial aplasia of the vermis. Identifiers: Orphanet 475, MedGen C5979921, MONDO:0018772.
Meckel-Gruber syndrome. Also called: DYSENCEPHALIA SPLANCHNOCYSTICA; GRUBER SYNDROME; Dysencephalia splachnocystica. Identifiers: Orphanet 564, MedGen C0265215, MONDO:0018921.
Meckel syndrome, type 1 (MKS1). Also called: MECKEL-GRUBER SYNDROME, TYPE 1. Identifiers: Orphanet 564, MedGen C3714506, MONDO:0009571, OMIM 249000.

gnomAD v4.1: 1 of 1,614,064 alleles (0.000062%); highest among the groups gnomAD compares: African/African-American, 0.0013%; no homozygotes.

Submissions (2):

Labcorp Genetics (formerly Invitae), Labcorp
Classification: Uncertain significance for Joubert syndrome; Meckel-Gruber syndrome. Last evaluated: 2025-04-04. Review status: criteria provided, single submitter. Criteria: Invitae Variant Classification Sherloc (09022015). Collection method: clinical testing. Allele origin: germline.
Comment: This sequence change replaces serine, which is neutral and polar, with phenylalanine, which is neutral and non-polar, at codon 362 of the MKS1 protein (p.Ser362Phe). This variant is not present in population databases (gnomAD no frequency). This variant has not been reported in the literature in individuals affected with MKS1-related conditions. Invitae Evidence Modeling of protein sequence and biophysical properties (such as structural, functional, and spatial information, amino acid conservation, physicochemical variation, residue mobility, and thermodynamic stability) indicates that this missense variant is not expected to disrupt MKS1 protein function with a negative predictive value of 80%. In summary, the available evidence is currently insufficient to determine the role of this variant in disease. Therefore, it has been classified as a Variant of Uncertain Significance.

Natera, Inc.
Classification: Uncertain significance for Meckel syndrome type 1. Last evaluated: 2025-02-03. Review status: no assertion criteria provided. Collection method: clinical testing. Allele origin: germline. Not counted in ClinVar's aggregate classification.